The following is an entry in ClinVar:

ClinVar aggregate classification (germline): Conflicting classifications of pathogenicity. Review status: criteria provided, conflicting classifications (1 of 4 stars). 6 submissions from 6 submitters: Uncertain significance (5); Benign (1). Last evaluated 2025-09-19.

Conditions:
Hereditary nonpolyposis colorectal neoplasms. Identifiers: MedGen C0009405, MeSH D003123.
Lynch syndrome. Identifiers: Orphanet 144, MedGen C4552100, MONDO:0005835. Disease mechanism: loss of function.
Hereditary cancer-predisposing syndrome. Also called: Neoplastic Syndromes, Hereditary; Hereditary neoplastic syndrome; Tumor predisposition; Hereditary Cancer Syndrome. Identifiers: Orphanet 140162, MedGen C0027672, MeSH D009386, MONDO:0015356.

Submissions (6):

Labcorp Genetics (formerly Invitae), Labcorp
Classification: Benign for Hereditary nonpolyposis colorectal neoplasms. Last evaluated: 2025-09-19. Review status: criteria provided, single submitter. Criteria: Invitae Variant Classification Sherloc (09022015). Collection method: clinical testing. Allele origin: germline.

All of Us Research Program, National Institutes of Health
Classification: Uncertain significance for Lynch syndrome. Last evaluated: 2024-08-06. Review status: criteria provided, single submitter. Criteria: ACMG Guidelines, 2015. Collection method: clinical testing. Allele origin: germline. Inheritance: Autosomal dominant inheritance. Observed: 4 variant alleles, 4 heterozygotes.
Comment: This missense variant replaces leucine with valine at codon 95 of the MSH6 protein. Computational prediction is inconclusive regarding the impact of this variant on protein structure and function (internally defined REVEL score threshold 0.5 < inconclusive < 0.7, PMID: 27666373). To our knowledge, functional studies have not been reported for this variant. This variant has not been reported in individuals affected with MSH6-related disorders in the literature. This variant has not been identified in the general population by the Genome Aggregation Database (gnomAD). The available evidence is insufficient to determine the role of this variant in disease conclusively. Therefore, this variant is classified as a Variant of Uncertain Significance.

This study involves interpretation of variants in research participants for the purpose of population health screening. Participant phenotype was not available at the time of variant classification. Additional details can be found in publication PMID: 35346344, PMCID: PMC8962531

Women's Health and Genetics/Laboratory Corporation of America, LabCorp
Classification: Uncertain significance. Last evaluated: 2024-04-25. Review status: criteria provided, single submitter. Criteria: LabCorp Variant Classification Summary - May 2015. Collection method: clinical testing. Allele origin: germline.

Ambry Genetics
Classification: Uncertain significance for Hereditary cancer-predisposing syndrome. Last evaluated: 2024-03-12. Review status: criteria provided, single submitter. Criteria: Ambry Variant Classification Scheme 2023. Collection method: clinical testing. Allele origin: germline.
Comment: The p.L95V variant (also known as c.283T>G), located in coding exon 2 of the MSH6 gene, results from a T to G substitution at nucleotide position 283. The leucine at codon 95 is replaced by valine, an amino acid with highly similar properties. This amino acid position is highly conserved in available vertebrate species. In addition, this alteration is predicted to be tolerated by in silico analysis. Since supporting evidence is limited at this time, the clinical significance of this alteration remains unclear.

Color Diagnostics, LLC DBA Color Health
Classification: Uncertain significance for Hereditary cancer-predisposing syndrome. Last evaluated: 2024-03-06. Review status: criteria provided, single submitter. Criteria: ACMG Guidelines, 2015. Collection method: clinical testing. Allele origin: germline.
Comment: This missense variant replaces leucine with valine at codon 95 of the MSH6 protein. Computational prediction is inconclusive regarding the impact of this variant on protein structure and function (internally defined REVEL score threshold 0.5 < inconclusive < 0.7, PMID: 27666373). To our knowledge, functional studies have not been reported for this variant. This variant has not been reported in individuals affected with MSH6-related disorders in the literature. This variant has not been identified in the general population by the Genome Aggregation Database (gnomAD). The available evidence is insufficient to determine the role of this variant in disease conclusively. Therefore, this variant is classified as a Variant of Uncertain Significance.

GeneDx
Classification: Uncertain significance. Last evaluated: 2023-04-17. Review status: criteria provided, single submitter. Criteria: GeneDx Variant Classification Process June 2021. Collection method: clinical testing. Allele origin: germline.
Comment: Not observed at significant frequency in large population cohorts (gnomAD); In silico analysis supports that this missense variant does not alter protein structure/function; Has not been previously published as pathogenic or benign to our knowledge

NM_000179.3(MSH6):c.283T>G (p.Leu95Val)

Gene: MSH6 (mutS homolog 6; plus strand). Cytogenetic location: 2p16.3.
Variant type: single nucleotide variant.
Coding change: c.283T>G on transcript NM_000179.3 (MANE Select); coding-DNA position 283, T replaced by G.
Protein change: p.Leu95Val; replaces leucine 95 with valine.
Molecular consequence: missense variant. On other transcripts: 5 prime UTR variant (2), intron variant (1).
Genome position (GRCh38, 1-based): chr2:47,790,949, T>G. VCF-style: chr2-47790949-T-G. GRCh37 (hg19) VCF-style: chr2-48018088-T-G.
Other names: c.-454T>G (NM_001281493.2); c.-620T>G (NM_001281494.2); c.237+7479T>G (NM_001281492.2); short protein forms L95V.
Identifiers: ClinVar variation 185712 (VCV000185712.24), dbSNP rs786202397, ClinGen allele CA010990.